The following is an entry in ClinVar:

ClinVar aggregate classification (germline): Uncertain significance (1 of 4 stars; one submission).

Submission:

Women's Health and Genetics/Laboratory Corporation of America, LabCorp
Classification: Uncertain significance. Last evaluated: 2019-11-06. Review status: criteria provided, single submitter. Criteria: LabCorp Variant Classification Summary - May 2015. Collection method: clinical testing. Allele origin: germline.
Comment: Variant summary: DYRK1A c.1741A>C (p.Thr581Pro) results in a non-conservative amino acid change in the encoded protein sequence. Three of five in-silico tools predict a damaging effect of the variant on protein function. The variant was absent in 251464 control chromosomes (gnomAD). The available data on variant occurrences in the general population are insufficient to allow any conclusion about variant significance. To our knowledge, no occurrence of c.1741A>C in individuals affected with Mental retardation, autosomal dominant 7 and no experimental evidence demonstrating its impact on protein function have been reported. No clinical diagnostic laboratories have submitted clinical-significance assessments for this variant to ClinVar after 2014. Based on the evidence outlined above, the variant was classified as uncertain significance.

NM_001347721.2(DYRK1A):c.1714A>C (p.Thr572Pro)

Gene: DYRK1A (dual specificity tyrosine phosphorylation regulated kinase 1A; plus strand). Cytogenetic location: 21q22.13.
Variant type: single nucleotide variant.
Coding change: c.1714A>C on transcript NM_001347721.2 (MANE Select); coding-DNA position 1714, A replaced by C.
Protein change: p.Thr572Pro; replaces threonine 572 with proline.
Molecular consequence: missense variant. On other transcripts: 3 prime UTR variant (2).
Genome position (GRCh38, 1-based): chr21:37,511,980, A>C. VCF-style: chr21-37511980-A-C. GRCh37 (hg19) VCF-style: chr21-38884283-A-C.
Other names: c.1714A>C, p.Thr572Pro (NM_001347722.2, NM_130436.2); c.1627A>C, p.Thr543Pro (NM_001347723.2); c.1741A>C, p.Thr581Pro (NM_001396.5); c.*117A>C (NM_101395.2); c.*26A>C (NM_130438.2); short protein forms T543P, T572P, T581P.
Identifiers: ClinVar variation 929171 (VCV000929171.1), dbSNP rs2053762752, ClinGen allele CA409939417.